The following is an entry in ClinVar:

ClinVar aggregate classification (germline): Uncertain significance. Review status: criteria provided, multiple submitters, no conflicts (2 of 4 stars). 2 submissions from 2 submitters: Uncertain significance (2). Last evaluated 2025-07-07.

Conditions:
Fanconi anemia complementation group P. Also called: SLX4-Related Fanconi Anemia. Identifiers: Orphanet 84, MedGen C3469542, MONDO:0013499, OMIM 613951.
Fanconi anemia (FA). Also called: Fanconi's anemia. Identifiers: Orphanet 84, MedGen C0015625, MeSH D005199, MONDO:0019391.

Submissions (2):

Labcorp Genetics (formerly Invitae), Labcorp
Classification: Uncertain significance for Fanconi anemia. Last evaluated: 2025-07-07. Review status: criteria provided, single submitter. Criteria: Invitae Variant Classification Sherloc (09022015). Collection method: clinical testing. Allele origin: germline.
Comment: This sequence change replaces leucine, which is neutral and non-polar, with glutamine, which is neutral and polar, at codon 366 of the SLX4 protein (p.Leu366Gln). This variant is present in population databases (no rsID available, gnomAD 0.0008%). This variant has not been reported in the literature in individuals affected with SLX4-related conditions. ClinVar contains an entry for this variant (Variation ID: 1418294). An algorithm developed to predict the effect of missense changes on protein structure and function (PolyPhen-2) suggests that this variant is likely to be disruptive. In summary, the available evidence is currently insufficient to determine the role of this variant in disease. Therefore, it has been classified as a Variant of Uncertain Significance.

Fulgent Genetics
Classification: Uncertain significance for Fanconi anemia complementation group P. Last evaluated: 2024-05-17. Review status: criteria provided, single submitter. Criteria: ACMG Guidelines, 2015. Collection method: clinical testing. Allele origin: germline.

NM_032444.4(SLX4):c.1097_1098delinsAA (p.Leu366Gln)

Gene: SLX4 (SLX4 structure-specific endonuclease subunit; minus strand). Cytogenetic location: 16p13.3.
Variant type: Indel.
Coding change: c.1097_1098delinsAA on transcript NM_032444.4 (MANE Select); coding-DNA positions 1097 to 1098, TC replaced by AA.
Protein change: p.Leu366Gln; replaces leucine 366 with glutamine.
Molecular consequence: missense variant.
Genome position (GRCh38, 1-based): chr16:3,601,044-3,601,045, GA replaced by TT on the plus strand (TC replaced by AA on the coding strand, the reverse complement: SLX4 is on the minus strand). VCF-style: chr16-3601044-GA-TT. GRCh37 (hg19) VCF-style: chr16-3651045-GA-TT.
Other names: short protein forms L366Q.
Identifiers: ClinVar variation 1418294 (VCV001418294.9), dbSNP rs2151134024, ClinGen allele CA2573152051.